The following is an entry in ClinVar:

NM_001135649.3(FOXI3):c.210_215dup (p.Ala74_Tyr75insAlaAla)

Gene: FOXI3 (forkhead box I3; minus strand). Cytogenetic location: 2p11.2.
Variant type: Duplication.
Coding change: c.210_215dup on transcript NM_001135649.3 (MANE Select); coding-DNA positions 210 to 215, 6 bases duplicated (AGCCGC; older notation c.210_215dupAGCCGC).
Protein change: p.Ala74_Tyr75insAlaAla.
Molecular consequence: inframe insertion.
Genome position (GRCh38, 1-based): chr2:88,452,321-88,452,326, GCGGCT duplicated on the plus strand (AGCCGC on the coding strand, the reverse complement: FOXI3 is on the minus strand); duplicating any 6 consecutive bases within chr2:88,452,321-88,452,331 gives the same sequence; the c. name uses the placement nearest the transcript's 3' end. VCF-style (leftmost placement, unchanged base first): chr2-88452320-G-GGCGGCT. GRCh37 (hg19) VCF-style: chr2-88751838-G-GGCGGCT.
Identifiers: ClinVar variation 4697104 (VCV004697104.1).

ClinVar aggregate classification (germline): Uncertain significance (1 of 4 stars; one submission).

Submission:

Labcorp Genetics (formerly Invitae), Labcorp
Classification: Uncertain significance. Last evaluated: 2025-05-21. Review status: criteria provided, single submitter. Criteria: Invitae Variant Classification Sherloc (09022015). Collection method: clinical testing. Allele origin: germline.
Comment: This variant, c.210_215dup, results in the insertion of 2 amino acid(s) of the FOXI3 protein (p.Ala73_Ala74dup), but otherwise preserves the integrity of the reading frame. The frequency data for this variant in the population databases is considered unreliable, as metrics indicate insufficient coverage at this position in the gnomAD database. This variant has not been reported in the literature in individuals affected with FOXI3-related conditions. In summary, the available evidence is currently insufficient to determine the role of this variant in disease. Therefore, it has been classified as a Variant of Uncertain Significance.